The following is an entry in ClinVar:

ClinVar aggregate classification (germline): Likely benign (1 of 4 stars; one submission).

Submission:

CeGaT Center for Human Genetics Tuebingen
Classification: Likely benign. Last evaluated: 2023-04-01. Review status: criteria provided, single submitter. Criteria: CeGaT Center For Human Genetics Tuebingen Variant Classification Criteria Version 2. Collection method: clinical testing. Allele origin: germline. Affected: yes. Observed: 2 variant alleles.
Comment: HRAS: BS1

NC_000011.10:g.530428_530483del

Genes: HRAS (HRas proto-oncogene, GTPase; minus strand), LRRC56 (leucine rich repeat containing 56; plus strand). Cytogenetic location: 11p15.5.
Variant type: Deletion.
Genome position: GRCh38: chr11:530,428-530,483. GRCh37 (hg19): chr11:530,428-530,483.
Identifiers: ClinVar variation 2570780 (VCV002570780.27), dbSNP rs1564785543, ClinGen allele CA596788832.